The following is an entry in ClinVar:

NM_006060.6(IKZF1):c.1509C>G (p.Tyr503Ter)

Gene: IKZF1 (IKAROS family zinc finger 1; plus strand). Cytogenetic location: 7p12.2.
Variant type: single nucleotide variant.
Coding change: c.1509C>G on transcript NM_006060.6 (MANE Select); coding-DNA position 1509, C replaced by G.
Protein change: p.Tyr503Ter; replaces tyrosine 503 with a stop codon.
Molecular consequence: nonsense.
Genome position (GRCh38, 1-based): chr7:50,400,576, C>G. VCF-style: chr7-50400576-C-G. GRCh37 (hg19) VCF-style: chr7-50468274-C-G.
Other names: c.1383C>G, p.Tyr461Ter (NM_001220765.3, NM_001291837.2); c.1218C>G, p.Tyr406Ter (NM_001220767.2); c.1248C>G, p.Tyr416Ter (NM_001220768.2, NM_001291838.2); c.1092C>G, p.Tyr364Ter (NM_001220770.2); c.1080C>G, p.Tyr360Ter (NM_001220771.2, NM_001291841.1); c.1122C>G, p.Tyr374Ter (NM_001291839.2); c.819C>G, p.Tyr273Ter (NM_001291840.1); c.1050C>G, p.Tyr350Ter (NM_001291842.1); and 3 more; short protein forms Y360*, Y374*, Y523*, Y273*, Y350*, Y416*, Y308*, Y318*.
Identifiers: ClinVar variation 2743392 (VCV002743392.3), dbSNP rs1817914949, ClinGen allele CA367525333.

ClinVar aggregate classification (germline): Uncertain significance (1 of 4 stars; one submission).

Allele frequency attached by ClinVar (database versions not stated): gnomAD exomes below 0.00001.
gnomAD v4.1: 1 of 1,613,640 alleles (0.000062%); highest among the groups gnomAD compares: Non-Finnish European, 0.000085%; no homozygotes.

Submission:

Labcorp Genetics (formerly Invitae), Labcorp
Classification: Uncertain significance. Last evaluated: 2024-06-11. Review status: criteria provided, single submitter. Criteria: Invitae Variant Classification Sherloc (09022015). Collection method: clinical testing. Allele origin: germline.
Comment: This sequence change creates a premature translational stop signal (p.Tyr503*) in the IKZF1 gene. While this is not anticipated to result in nonsense mediated decay, it is expected to disrupt the last 17 amino acid(s) of the IKZF1 protein. This variant is not present in population databases (gnomAD no frequency). This variant has not been reported in the literature in individuals affected with IKZF1-related conditions. Experimental studies and prediction algorithms are not available or were not evaluated, and the functional significance of this variant is currently unknown. In summary, the available evidence is currently insufficient to determine the role of this variant in disease. Therefore, it has been classified as a Variant of Uncertain Significance.